The following is an entry in ClinVar:

NM_005862.3(STAG1):c.3356C>T (p.Ser1119Phe)

Gene: STAG1 (STAG1 cohesin complex component; minus strand). Cytogenetic location: 3q22.3.
Variant type: single nucleotide variant.
Coding change: c.3356C>T on transcript NM_005862.3 (MANE Select); coding-DNA position 3356, C replaced by T.
Protein change: p.Ser1119Phe; replaces serine 1119 with phenylalanine.
Molecular consequence: missense variant.
Genome position (GRCh38, 1-based): chr3:136,343,922, G>A on the plus strand (C>T on the coding strand, the complement: STAG1 is on the minus strand). VCF-style: chr3-136343922-G-A. GRCh37 (hg19) VCF-style: chr3-136062764-G-A.
Other names: short protein forms S1119F.
Identifiers: ClinVar variation 4762175 (VCV004762175.1).

ClinVar aggregate classification (germline): Uncertain significance (1 of 4 stars; one submission).

gnomAD v4.1: 1 of 1,611,886 alleles (0.000062%); highest among the groups gnomAD compares: Non-Finnish European, 0.000085%; no homozygotes.

Submission:

Labcorp Genetics (formerly Invitae), Labcorp
Classification: Uncertain significance. Last evaluated: 2025-06-12. Review status: criteria provided, single submitter. Criteria: Invitae Variant Classification Sherloc (09022015). Collection method: clinical testing. Allele origin: germline.
Comment: This sequence change replaces serine, which is neutral and polar, with phenylalanine, which is neutral and non-polar, at codon 1119 of the STAG1 protein (p.Ser1119Phe). This variant is not present in population databases (gnomAD no frequency). This variant has not been reported in the literature in individuals affected with STAG1-related conditions. Invitae Evidence Modeling of protein sequence and biophysical properties (such as structural, functional, and spatial information, amino acid conservation, physicochemical variation, residue mobility, and thermodynamic stability) indicates that this missense variant is expected to disrupt STAG1 protein function with a positive predictive value of 95%. In summary, the available evidence is currently insufficient to determine the role of this variant in disease. Therefore, it has been classified as a Variant of Uncertain Significance.